The following is an entry in ClinVar:

NM_002878.4(RAD51D):c.461C>G (p.Thr154Ser)

Genes: RAD51L3-RFFL (RAD51L3-RFFL readthrough; minus strand), RAD51D (RAD51 paralog D; minus strand). Cytogenetic location: 17q12.
Variant type: single nucleotide variant.
Coding change: c.461C>G on transcript NM_002878.4 (MANE Select); coding-DNA position 461, C replaced by G.
Protein change: p.Thr154Ser; replaces threonine 154 with serine.
Molecular consequence: missense variant. On other transcripts: non-coding transcript variant (1), intron variant (1).
Genome position (GRCh38, 1-based): chr17:35,107,007, G>C on the plus strand (C>G on the coding strand, the complement: RAD51D is on the minus strand). VCF-style: chr17-35107007-G-C. GRCh37 (hg19) VCF-style: chr17-33434026-G-C.
Other names: c.521C>G, p.Thr174Ser (NM_001142571.2); c.145-526C>G (NM_133629.3); short protein forms T154S, T174S.
Identifiers: ClinVar variation 1002698 (VCV001002698.5), dbSNP rs2091612838, ClinGen allele CA399089184.

ClinVar aggregate classification (germline): Uncertain significance (1 of 4 stars; one submission).

Conditions:
Breast-ovarian cancer, familial, susceptibility to, 4. Identifiers: Orphanet 145, MedGen C3280345, MONDO:0013669, OMIM 614291.

Submission:

Labcorp Genetics (formerly Invitae), Labcorp
Classification: Uncertain significance for Breast-ovarian cancer, familial, susceptibility to, 4. Last evaluated: 2020-01-10. Review status: criteria provided, single submitter. Criteria: Invitae Variant Classification Sherloc (09022015). Collection method: clinical testing. Allele origin: germline.
Comment: In summary, the available evidence is currently insufficient to determine the role of this variant in disease. Therefore, it has been classified as a Variant of Uncertain Significance. Algorithms developed to predict the effect of missense changes on protein structure and function (SIFT, PolyPhen-2, Align-GVGD) all suggest that this variant is likely to be tolerated, but these predictions have not been confirmed by published functional studies and their clinical significance is uncertain. This variant has not been reported in the literature in individuals with RAD51D-related conditions. This variant is not present in population databases (ExAC no frequency). This sequence change replaces threonine with serine at codon 154 of the RAD51D protein (p.Thr154Ser). The threonine residue is moderately conserved and there is a small physicochemical difference between threonine and serine.